The following is an entry in ClinVar:

ClinVar aggregate classification (germline): Uncertain significance (1 of 4 stars; one submission).

Conditions:
Familial focal epilepsy with variable foci (FPEVF). Identifiers: Orphanet 98820, MedGen C1858477, MONDO:0020310.

Allele frequency attached by ClinVar (database versions not stated): gnomAD exomes below 0.00001.
gnomAD v4.1: 1 of 1,614,170 alleles (0.000062%); highest among the groups gnomAD compares: Non-Finnish European, 0.000085%; no homozygotes.

Submission:

Labcorp Genetics (formerly Invitae), Labcorp
Classification: Uncertain significance for Familial focal epilepsy with variable foci. Last evaluated: 2019-09-16. Review status: criteria provided, single submitter. Criteria: Invitae Variant Classification Sherloc (09022015). Collection method: clinical testing. Allele origin: germline.
Comment: This sequence change replaces serine with tyrosine at codon 626 of the DEPDC5 protein (p.Ser626Tyr). The serine residue is highly conserved and there is a large physicochemical difference between serine and tyrosine. This variant is not present in population databases (ExAC no frequency). This variant has not been reported in the literature in individuals with DEPDC5-related conditions. Algorithms developed to predict the effect of missense changes on protein structure and function are either unavailable or do not agree on the potential impact of this missense change (SIFT: "Deleterious"; PolyPhen-2: "Not Available"; Align-GVGD: "Class C15"). In summary, the available evidence is currently insufficient to determine the role of this variant in disease. Therefore, it has been classified as a Variant of Uncertain Significance.

NM_001242896.3(DEPDC5):c.1877C>A (p.Ser626Tyr)

Gene: DEPDC5 (DEP domain containing 5, GATOR1 subcomplex subunit; plus strand). Cytogenetic location: 22q12.3.
Variant type: single nucleotide variant.
Coding change: c.1877C>A on transcript NM_001242896.3 (MANE Select); coding-DNA position 1877, C replaced by A.
Protein change: p.Ser626Tyr; replaces serine 626 with tyrosine.
Molecular consequence: missense variant. On other transcripts: non-coding transcript variant (4), intron variant (3).
Genome position (GRCh38, 1-based): chr22:31,821,508, C>A. VCF-style: chr22-31821508-C-A. GRCh37 (hg19) VCF-style: chr22-32217494-C-A.
Other names: c.1877C>A, p.Ser626Tyr (NM_001136029.4, NM_001363852.2, NM_001364318.2 and 3 more transcripts); c.1793C>A, p.Ser598Tyr (NM_001369901.1, NM_001369902.1); c.1870+2283C>A (NM_001363854.2, NM_001242897.2, NM_001364319.2); short protein forms S626Y, S598Y.
Identifiers: ClinVar variation 960058 (VCV000960058.1), dbSNP rs2089694690, ClinGen allele CA411281655.